The following is an entry in ClinVar:

ClinVar aggregate classification (germline): Benign/Likely benign. Review status: criteria provided, multiple submitters, no conflicts (2 of 4 stars). 14 submissions from 14 submitters: Benign (9); Likely benign (1). 4 of the submissions do not count toward it. Last evaluated 2026-06-16.

Conditions:
Cortical dysplasia-focal epilepsy syndrome (PTHSL1). Also called: Pitt-Hopkins-like syndrome 1. Identifiers: Orphanet 163681, Orphanet 221150, MedGen C2750246, MONDO:0012400, OMIM 610042.

Allele frequency attached by ClinVar (database versions not stated): gnomAD exomes 0.18959 and 0.22967; ESP Exome Variant Server 0.18968; gnomAD 0.20355 and 0.20881; TOPMed 0.21606; ExAC 0.22554; 1000 Genomes Project 0.27456; 1000 Genomes Project 30x 0.27639.
gnomAD v4.1: 307,472 of 1,605,856 alleles (19%); highest among the groups gnomAD compares: East Asian, 33%; 32,246 homozygotes.

Submissions (14):

Women's Health and Genetics/Laboratory Corporation of America, LabCorp
Classification: Benign. Last evaluated: 2026-06-16. Review status: criteria provided, single submitter. Criteria: LabCorp Variant Classification Summary - May 2015. Collection method: clinical testing. Allele origin: germline.

Labcorp Genetics (formerly Invitae), Labcorp
Classification: Benign for Cortical dysplasia-focal epilepsy syndrome. Last evaluated: 2026-02-04. Review status: criteria provided, single submitter. Criteria: Invitae Variant Classification Sherloc (09022015). Collection method: clinical testing. Allele origin: germline.

Blueprint Genetics
Classification: Likely benign. Last evaluated: 2024-11-27. Review status: criteria provided, single submitter. Criteria: ACMG Guidelines, 2015. Collection method: clinical testing. Allele origin: germline.

Genome-Nilou Lab
Classification: Benign for Cortical dysplasia-focal epilepsy syndrome. Last evaluated: 2021-07-22. Review status: criteria provided, single submitter. Criteria: ACMG Guidelines, 2015. Collection method: clinical testing. Allele origin: germline. Affected: no.

Mayo Clinic Laboratories, Mayo Clinic
Classification: Benign. Last evaluated: 2018-04-02. Review status: criteria provided, single submitter. Criteria: ACMG Guidelines, 2015. Collection method: clinical testing. Allele origin: germline. Observed: 211 variant alleles.

Athena Diagnostics
Classification: Benign for Cortical dysplasia-focal epilepsy syndrome. Last evaluated: 2017-04-14. Review status: criteria provided, single submitter. Criteria: Athena Diagnostics Criteria. Collection method: clinical testing. Allele origin: germline.

GeneDx
Classification: Benign. Last evaluated: 2015-03-03. Review status: criteria provided, single submitter. Criteria: GeneDx Variant Classification Process June 2021. Collection method: clinical testing. Allele origin: germline. Affected: yes.

Eurofins Ntd Llc (ga)
Classification: Benign. Last evaluated: 2012-08-16. Review status: criteria provided, single submitter. Criteria: EGL Classification Definitions 2015. Collection method: clinical testing. Allele origin: germline. Observed: 6 variant alleles, 6 heterozygotes.

Breakthrough Genomics
Classification: Benign. Review status: criteria provided, single submitter. Criteria: ACMG Guidelines, 2015. Collection method: not provided. Allele origin: germline. Inheritance: Autosomal recessive inheritance. Affected: yes.

PreventionGenetics, part of Exact Sciences
Classification: Benign. Review status: criteria provided, single submitter. Criteria: ACMG Guidelines, 2015. Collection method: clinical testing. Allele origin: germline.

Clinical Genetics DNA and cytogenetics Diagnostics Lab, Erasmus MC, Erasmus Medical Center
Classification: Benign. Review status: no assertion criteria provided. Collection method: clinical testing. Allele origin: germline. Affected: yes. Study: VKGL Data-share Consensus. Not counted in ClinVar's aggregate classification.

Diagnostic Laboratory, Department of Genetics, University Medical Center Groningen
Classification: Benign. Review status: no assertion criteria provided. Collection method: clinical testing. Allele origin: germline. Affected: yes. Study: VKGL Data-share Consensus. Not counted in ClinVar's aggregate classification.

Genetic Services Laboratory, University of Chicago
Classification: Likely benign for AllHighlyPenetrant. Review status: no assertion criteria provided. Collection method: clinical testing. Allele origin: germline. Inheritance: Autosomal recessive inheritance. Not counted in ClinVar's aggregate classification.
Comment: Likely benign based on allele frequency in 1000 Genomes Project or ESP global frequency and its presence in a patient with a rare or unrelated disease phenotype. NOT Sanger confirmed.

Genome Diagnostics Laboratory, University Medical Center Utrecht
Classification: Benign. Review status: no assertion criteria provided. Collection method: clinical testing. Allele origin: germline. Affected: yes. Study: VKGL Data-share Consensus. Not counted in ClinVar's aggregate classification.

NM_014141.6(CNTNAP2):c.1777+10A>G

Gene: CNTNAP2 (contactin associated protein 2; plus strand). Cytogenetic location: 7q35.
Variant type: single nucleotide variant.
Coding change: c.1777+10A>G on transcript NM_014141.6 (MANE Select); 10 bases into the intron after coding-DNA position 1777, A replaced by G.
Molecular consequence: intron variant.
Genome position (GRCh38, 1-based): chr7:147,486,051, A>G. VCF-style: chr7-147486051-A-G. GRCh37 (hg19) VCF-style: chr7-147183143-A-G.
Other names: p.?.
Identifiers: ClinVar variation 95559 (VCV000095559.32), dbSNP rs2286127, ClinGen allele CA148621.
Genomic context (GRCh38, chr7:147,486,051, plus strand): 5'-TCAAATGCACTTGTGATGAGACAGGATACAGTGGGGCCACCTGCCACAACTGTGAGTGCC[A>G]ATTTATCTCACTTTAATCTTGTAATTGCATGAGAATCTCAAGTCTTGAGCTGTGCTTTGA-3'